The following is an entry in ClinVar:

NM_001256545.2(MEGF10):c.117-199A>G

Gene: MEGF10 (multiple EGF like domains 10; plus strand). Cytogenetic location: 5q23.2.
Variant type: single nucleotide variant.
Coding change: c.117-199A>G on transcript NM_001256545.2 (MANE Select); 199 bases into the intron before coding-DNA position 117, A replaced by G.
Molecular consequence: intron variant.
Genome position (GRCh38, 1-based): chr5:127,338,921, A>G. VCF-style: chr5-127338921-A-G. GRCh37 (hg19) VCF-style: chr5-126674613-A-G.
Other names: c.117-199A>G (NM_032446.3, NM_001308119.2, NM_001308121.2).
Identifiers: ClinVar variation 683157 (VCV000683157.1), dbSNP rs27782, ClinGen allele CA12009806.

ClinVar aggregate classification (germline): Benign (1 of 4 stars; one submission).

Allele frequency attached by ClinVar (database versions not stated): 1000 Genomes Project 30x 0.31230; 1000 Genomes Project 0.31530; TOPMed 0.38722; gnomAD 0.39792 and 0.39893.
gnomAD v4.1: 60,811 of 151,930 alleles (40%); highest among the groups gnomAD compares: Middle Eastern, 56%; 13,637 homozygotes.

Submission:

GeneDx
Classification: Benign. Last evaluated: 2018-06-19. Review status: criteria provided, single submitter. Criteria: GeneDx Variant Classification (06012015). Collection method: clinical testing. Allele origin: germline. Affected: yes.
Comment: This variant is considered likely benign or benign based on one or more of the following criteria: it is a conservative change, it occurs at a poorly conserved position in the protein, it is predicted to be benign by multiple in silico algorithms, and/or has population frequency not consistent with disease.